The following is an entry in ClinVar:

ClinVar aggregate classification (germline): Pathogenic (1 of 4 stars; one submission).

Conditions:
Holocarboxylase synthetase deficiency. Also called: MULTIPLE CARBOXYLASE DEFICIENCY, EARLY ONSET. Identifiers: Orphanet 79242, MedGen C0268581, MONDO:0009666, OMIM 253270.

Submission:

Myriad Genetics, Inc.
Classification: Pathogenic for Holocarboxylase synthetase deficiency. Last evaluated: 2024-07-16. Review status: criteria provided, single submitter. Criteria: Myriad Autosomal Dominant, Autosomal Recessive and X-Linked Classification Criteria (2023). Collection method: clinical testing. Allele origin: unknown.
Comment: NM_000411.6(HLCS):c.233delG(G78Afs*180) is expected to be pathogenic in the context of holocarboxylase synthetase deficiency. This variant is predicted to lead to an abnormal or absent protein product due to the creation of a premature termination codon in HLCS, a gene where loss-of-function variants are known to be pathogenic. Please note: this variant was assessed in the context of healthy population screening.

NM_001352514.2(HLCS):c.674del (p.Gly225fs)

Gene: HLCS (holocarboxylase synthetase; minus strand). Cytogenetic location: 21q22.13.
Variant type: Deletion.
Coding change: c.674del on transcript NM_001352514.2 (MANE Select); coding-DNA position 674, one base deleted (G; older notation c.674delG).
Protein change: p.Gly225fs; shifts the reading frame from glycine 225.
Molecular consequence: frameshift variant. On other transcripts: non-coding transcript variant (2).
Genome position (GRCh38, 1-based): chr21:36,937,212, C deleted on the plus strand (G on the coding strand, the reverse complement: HLCS is on the minus strand); the first of 2 consecutive C bases (chr21:36,937,212-36,937,213); deleting either gives the same sequence. VCF-style (leftmost placement, unchanged base first): chr21-36937211-GC-G. GRCh37 (hg19) VCF-style: chr21-38309511-GC-G.
Other names: c.233del, p.Gly78fs (NM_000411.8, NM_001242784.3, NM_001242785.2 and 4 more transcripts); short protein forms G225fs, G78fs.
Identifiers: ClinVar variation 5013316 (VCV005013316.1).